The following is an entry in ClinVar:

NM_000512.5(GALNS):c.1001A>G (p.Gln334Arg)

Gene: GALNS (galactosamine (N-acetyl)-6-sulfatase; minus strand). Cytogenetic location: 16q24.3.
Variant type: single nucleotide variant.
Coding change: c.1001A>G on transcript NM_000512.5 (MANE Select); coding-DNA position 1001, A replaced by G.
Protein change: p.Gln334Arg; replaces glutamine 334 with arginine.
Molecular consequence: missense variant.
Genome position (GRCh38, 1-based): chr16:88,831,999, T>C on the plus strand (A>G on the coding strand, the complement: GALNS is on the minus strand). VCF-style: chr16-88831999-T-C. GRCh37 (hg19) VCF-style: chr16-88898407-T-C.
Other names: c.446A>G, p.Gln149Arg (NM_001323543.2); c.1019A>G, p.Gln340Arg (NM_001323544.2); short protein forms Q334R, Q149R, Q340R.
Identifiers: ClinVar variation 321198 (VCV000321198.18), dbSNP rs138555898, ClinGen allele CA8234879.

ClinVar aggregate classification (germline): Conflicting classifications of pathogenicity. Review status: criteria provided, conflicting classifications (1 of 4 stars). 4 submissions from 4 submitters: Uncertain significance (2); Benign (1). 1 of the submissions does not count toward it. Last evaluated 2026-01-28.

Conditions:
Mucopolysaccharidosis, MPS-IV-A (MPS4A). Also called: Morquio syndrome A, mild; MORQUIO SYNDROME A; MPS IVA; GALACTOSAMINE-6-SULFATASE DEFICIENCY; GALNS DEFICIENCY; MORQUIO A DISEASE. Identifiers: Orphanet 309297, Orphanet 582, MedGen C0086651, MONDO:0009659, OMIM 253000.

Allele frequency attached by ClinVar (database versions not stated): gnomAD exomes 0.00027 and 0.00054; gnomAD 0.00032 and 0.00034; TOPMed 0.00039; ExAC 0.00040; ESP Exome Variant Server 0.00069.
gnomAD v4.1: 470 of 1,612,688 alleles (0.029%); highest among the groups gnomAD compares: Non-Finnish European, 0.0068%; 2 homozygotes.

Submissions (6):

Labcorp Genetics (formerly Invitae), Labcorp
Classification: Benign for Mucopolysaccharidosis, MPS-IV-A. Last evaluated: 2026-01-28. Review status: criteria provided, single submitter. Criteria: Invitae Variant Classification Sherloc (09022015). Collection method: clinical testing. Allele origin: germline.

GeneDx
Classification: Uncertain significance. Last evaluated: 2025-02-11. Review status: criteria provided, single submitter. Criteria: GeneDx Variant Classification Process June 2021. Collection method: clinical testing. Allele origin: germline. Affected: yes.
Comment: In silico analysis indicates that this missense variant does not alter protein structure/function; Has not been previously published as pathogenic or benign to our knowledge

Illumina Laboratory Services, Illumina
Classification: Uncertain significance for Mucopolysaccharidosis, MPS-IV-A. Last evaluated: 2018-01-13. Review status: criteria provided, single submitter. Criteria: ICSL Variant Classification Criteria 13 December 2019. Collection method: clinical testing. Allele origin: germline.

Mayo Clinic Laboratories, Mayo Clinic
Classification: Uncertain significance. Last evaluated: 2017-05-10. Review status: no assertion criteria provided. Collection method: clinical testing. Allele origin: unknown. Not counted in ClinVar's aggregate classification.

Dr. Peter K. Rogan Lab, Western University
No classification provided (evidence only). Condition: Cervical cancer. Review status: no classification provided. Collection method: in vitro. Allele origin: not applicable. Functional consequence: retained intron. Not counted in ClinVar's aggregate classification.

Dr. Peter K. Rogan Lab, Western University
No classification provided (evidence only). Condition: Ovarian serous cystadenocarcinoma. Review status: no classification provided. Collection method: in vitro. Allele origin: not applicable. Functional consequence: retained intron. Not counted in ClinVar's aggregate classification.